The following is an entry in ClinVar:

ClinVar aggregate classification (germline): Likely benign (0 of 4 stars; one submission).

Conditions:
MYT1-related disorder. Also called: MYT1-related condition.

Allele frequency attached by ClinVar (database versions not stated): gnomAD exomes 0.00007; gnomAD 0.00012; 1000 Genomes Project 30x 0.00016; TOPMed 0.00018; 1000 Genomes Project 0.00020; ExAC 0.00025.
gnomAD v4.1: 160 of 1,614,032 alleles (0.0099%); highest among the groups gnomAD compares: East Asian, 0.24%; no homozygotes.

Submission:

PreventionGenetics, part of Exact Sciences
Classification: Likely benign for MYT1-related condition. Last evaluated: 2019-08-27. Review status: no assertion criteria provided. Collection method: clinical testing. Allele origin: germline.
Comment: This variant is classified as likely benign based on ACMG/AMP sequence variant interpretation guidelines (Richards et al. 2015 PMID: 25741868, with internal and published modifications).

NM_004535.3(MYT1):c.117G>A (p.Gly39=)

Gene: MYT1 (myelin transcription factor 1; plus strand). Cytogenetic location: 20q13.33.
Variant type: single nucleotide variant.
Coding change: c.117G>A on transcript NM_004535.3 (MANE Select); coding-DNA position 117, G replaced by A.
Protein change: p.Gly39=; no amino-acid change (glycine 39 retained).
Molecular consequence: synonymous variant.
Genome position (GRCh38, 1-based): chr20:64,205,065, G>A. VCF-style: chr20-64205065-G-A. GRCh37 (hg19) VCF-style: chr20-62836418-G-A.
Identifiers: ClinVar variation 3052983 (VCV003052983.2), dbSNP rs201032939, ClinGen allele CA9974466.